The following is an entry in ClinVar:

NM_000168.6(GLI3):c.2390T>C (p.Leu797Pro)

Gene: GLI3 (GLI family zinc finger 3; minus strand). Cytogenetic location: 7p14.1.
Variant type: single nucleotide variant.
Coding change: c.2390T>C on transcript NM_000168.6 (MANE Select); coding-DNA position 2390, T replaced by C.
Protein change: p.Leu797Pro; replaces leucine 797 with proline.
Molecular consequence: missense variant.
Genome position (GRCh38, 1-based): chr7:41,967,637, A>G on the plus strand (T>C on the coding strand, the complement: GLI3 is on the minus strand). VCF-style: chr7-41967637-A-G. GRCh37 (hg19) VCF-style: chr7-42007235-A-G.
Other names: short protein forms L797P.
Identifiers: ClinVar variation 1718016 (VCV001718016.5), dbSNP rs2484387686, ClinGen allele CA367321185.
Genomic context (GRCh38, chr7:41,967,637, plus strand): 5'-GGTCTGATGTAGAACTCACCATTTCCTATGAGAGGAGAGACCGCAGGGGCTTTAGGGGGT[A>G]GAATGGGGTTCAGTCGCGGAAACATTCCATTCACTTGTTTTAGCCTTTCTAGTTTTACGT-3'
Protein context (NP_000159.3, residues 787-807): NGMFPRLNPI[Leu797Pro]PPKAPAVSPL

ClinVar aggregate classification (germline): Uncertain significance (1 of 4 stars; one submission).

Conditions:
Greig cephalopolysyndactyly syndrome (GCPS). Also called: POLYSYNDACTYLY WITH PECULIAR SKULL SHAPE; Greig syndrome; GLI3-Related Greig Cephalopolysyndactyly Syndrome. Identifiers: Orphanet 380, MedGen C0265306, MONDO:0008287, OMIM 175700.
Pallister-Hall syndrome (PHS). Also called: HYPOTHALAMIC HAMARTOBLASTOMA, HYPOPITUITARISM, IMPERFORATE ANUS, AND POSTAXIAL POLYDACTYLY; GLI3-Related Pallister-Hall Syndrome. Identifiers: Orphanet 672, MedGen C0265220, MONDO:0007804, OMIM 146510.

Submission:

Labcorp Genetics (formerly Invitae), Labcorp
Classification: Uncertain significance for Pallister-Hall syndrome; Greig cephalopolysyndactyly syndrome. Last evaluated: 2022-08-25. Review status: criteria provided, single submitter. Criteria: Invitae Variant Classification Sherloc (09022015). Collection method: clinical testing. Allele origin: germline.
Comment: In summary, the available evidence is currently insufficient to determine the role of this variant in disease. Therefore, it has been classified as a Variant of Uncertain Significance. Algorithms developed to predict the effect of missense changes on protein structure and function output the following: SIFT: "Tolerated"; PolyPhen-2: "Benign"; Align-GVGD: "Class C0". The proline amino acid residue is found in multiple mammalian species, which suggests that this missense change does not adversely affect protein function. This variant has not been reported in the literature in individuals affected with GLI3-related conditions. This variant is not present in population databases (gnomAD no frequency). This sequence change replaces leucine, which is neutral and non-polar, with proline, which is neutral and non-polar, at codon 797 of the GLI3 protein (p.Leu797Pro).